The following is an entry in ClinVar:

NM_000059.4(BRCA2):c.5087G>C (p.Gly1696Ala)

Gene: BRCA2 (BRCA2 DNA repair associated; plus strand). Cytogenetic location: 13q13.1.
Variant type: single nucleotide variant.
Coding change: c.5087G>C on transcript NM_000059.4 (MANE Select); coding-DNA position 5087, G replaced by C.
Protein change: p.Gly1696Ala; replaces glycine 1696 with alanine.
Molecular consequence: missense variant. On other transcripts: non-coding transcript variant (1), intron variant (2).
Genome position (GRCh38, 1-based): chr13:32,339,442, G>C. VCF-style: chr13-32339442-G-C. GRCh37 (hg19) VCF-style: chr13-32913579-G-C.
Other names: c.5087G>C, p.Gly1696Ala (NM_001406719.1, NM_001406720.1, NM_001432077.1); c.1910-5116G>C (NM_001406721.1); c.425-5116G>C (NM_001406722.1); short protein forms G1696A.
Identifiers: ClinVar variation 3992766 (VCV003992766.1).

ClinVar aggregate classification (germline): Uncertain significance (1 of 4 stars; one submission).

Conditions:
Hereditary cancer-predisposing syndrome. Also called: Tumor predisposition; Hereditary neoplastic syndrome; Neoplastic Syndromes, Hereditary; Hereditary Cancer Syndrome. Identifiers: Orphanet 140162, MedGen C0027672, MeSH D009386, MONDO:0015356.

Submission:

Ambry Genetics
Classification: Uncertain significance for Hereditary cancer-predisposing syndrome. Last evaluated: 2025-04-04. Review status: criteria provided, single submitter. Criteria: Ambry Variant Classification Scheme 2023. Collection method: clinical testing. Allele origin: germline.
Comment: The p.G1696A variant (also known as c.5087G>C), located in coding exon 10 of the BRCA2 gene, results from a G to C substitution at nucleotide position 5087. The glycine at codon 1696 is replaced by alanine, an amino acid with similar properties. This amino acid position is not well conserved in available vertebrate species. In addition, this alteration is predicted to be tolerated by in silico analysis. Based on the available evidence, the clinical significance of this variant remains unclear.